The following is an entry in ClinVar:

ClinVar aggregate classification (germline): Conflicting classifications of pathogenicity. Review status: criteria provided, conflicting classifications (1 of 4 stars). 5 submissions from 5 submitters: Uncertain significance (4); Likely benign (1). Last evaluated 2025-01-21.

Conditions:
Hypokalemic periodic paralysis, type 2 (HOKPP2). Identifiers: Orphanet 681, MedGen C2750061, MONDO:0013234, OMIM 613345.
Hyperkalemic periodic paralysis. Also called: Familial hyperkalemic periodic paralysis; Gamstorp disease. Identifiers: Orphanet 682, MedGen C0238357, MONDO:0008224, OMIM 170500, HP:0007215.
Potassium-aggravated myotonia. Also called: MYOTONIA CONGENITA, ACETAZOLAMIDE-RESPONSIVE; MYOTONIA CONGENITA, ATYPICAL; SODIUM CHANNEL MUSCLE DISEASE; Myotonia congenita, atypical, acetazolamide-responsive. Identifiers: Orphanet 612, Orphanet 99734, Orphanet 99735, Orphanet 99736, MedGen C2931826, MONDO:0018959, OMIM 608390.
Congenital myasthenic syndrome 16. Identifiers: Orphanet 590, MedGen C3280112, MONDO:0013620, OMIM 614198.
Paramyotonia congenita of Von Eulenburg. Also called: Paramyotonia Congenita; Eulenburg disease; Myotonia congenita intermittens; Von Eulenburg paramyotonia congenita; PARALYSIS PERIODICA PARAMYOTONICA. Identifiers: Orphanet 684, MedGen C0221055, MONDO:0008195, OMIM 168300. Disease mechanism: loss of function.
Congenital myopathy 22A, classic (CMYO22A). Identifiers: MedGen C5830453, MONDO:0957247, OMIM 620351.
Congenital myopathy 22B, severe fetal (CMYO22B). Identifiers: MedGen C5830501, MONDO:0957265, OMIM 620369.

Allele frequency attached by ClinVar (database versions not stated): gnomAD 0.00001; ExAC 0.00002; TOPMed 0.00001; gnomAD exomes 0.00002.

Submissions (5):

Labcorp Genetics (formerly Invitae), Labcorp
Classification: Uncertain significance for Hyperkalemic periodic paralysis. Last evaluated: 2025-01-21. Review status: criteria provided, single submitter. Criteria: Invitae Variant Classification Sherloc (09022015). Collection method: clinical testing. Allele origin: germline.
Comment: This sequence change replaces aspartic acid, which is acidic and polar, with asparagine, which is neutral and polar, at codon 334 of the SCN4A protein (p.Asp334Asn). This variant is present in population databases (rs766055241, gnomAD 0.006%). This variant has not been reported in the literature in individuals affected with SCN4A-related conditions. ClinVar contains an entry for this variant (Variation ID: 429533). Invitae Evidence Modeling of protein sequence and biophysical properties (such as structural, functional, and spatial information, amino acid conservation, physicochemical variation, residue mobility, and thermodynamic stability) indicates that this missense variant is not expected to disrupt SCN4A protein function with a negative predictive value of 95%. In summary, the available evidence is currently insufficient to determine the role of this variant in disease. Therefore, it has been classified as a Variant of Uncertain Significance.

Blueprint Genetics
Classification: Uncertain significance. Last evaluated: 2024-07-12. Review status: criteria provided, single submitter. Criteria: ACMG Guidelines, 2015. Collection method: clinical testing. Allele origin: germline.

Fulgent Genetics
Classification: Uncertain significance for Paramyotonia congenita of Von Eulenburg; Hyperkalemic periodic paralysis; Potassium-aggravated myotonia; Hypokalemic periodic paralysis, type 2; Congenital myasthenic syndrome 16; Congenital myopathy 22A, classic; Congenital myopathy 22B, severe fetal. Last evaluated: 2024-05-15. Review status: criteria provided, single submitter. Criteria: ACMG Guidelines, 2015. Collection method: clinical testing. Allele origin: germline.

Revvity Omics, Revvity
Classification: Uncertain significance. Last evaluated: 2024-02-14. Review status: criteria provided, single submitter. Criteria: ACMG Guidelines, 2015. Collection method: clinical testing. Allele origin: germline.

GeneDx
Classification: Likely benign. Last evaluated: 2018-05-14. Review status: criteria provided, single submitter. Criteria: GeneDx Variant Classification Process June 2021. Collection method: clinical testing. Allele origin: germline. Affected: yes.
Comment: This variant is associated with the following publications: (PMID: 26551667, 29605429)

NM_000334.4(SCN4A):c.1000G>A (p.Asp334Asn)

Gene: SCN4A (sodium voltage-gated channel alpha subunit 4; minus strand). Cytogenetic location: 17q23.3.
Variant type: single nucleotide variant.
Coding change: c.1000G>A on transcript NM_000334.4 (MANE Select); coding-DNA position 1000, G replaced by A.
Protein change: p.Asp334Asn; replaces aspartic acid 334 with asparagine.
Molecular consequence: missense variant.
Genome position (GRCh38, 1-based): chr17:63,968,059, C>T on the plus strand (G>A on the coding strand, the complement: SCN4A is on the minus strand). VCF-style: chr17-63968059-C-T. GRCh37 (hg19) VCF-style: chr17-62045419-C-T.
Other names: short protein forms D334N.
Identifiers: ClinVar variation 429533 (VCV000429533.14), dbSNP rs766055241, ClinGen allele CA8709979.